The following is an entry in ClinVar:

ClinVar aggregate classification (germline): Conflicting classifications of pathogenicity. Review status: criteria provided, conflicting classifications (1 of 4 stars). 8 submissions from 8 submitters: Uncertain significance (5); Likely benign (3). Last evaluated 2026-03-23.

Conditions:
Inborn genetic diseases. Identifiers: MedGen C0950123, MeSH D030342.
Upshaw-Schulman syndrome (TTP). Also called: THROMBOTIC THROMBOCYTOPENIC PURPURA, HEREDITARY; Congenital thrombotic thrombocytopenic purpura. Identifiers: Orphanet 93583, MedGen C1268935, MONDO:0010122, OMIM 274150.

Allele frequency attached by ClinVar (database versions not stated): gnomAD 0.00019 and 0.00020; gnomAD exomes 0.00023 and 0.00032; ExAC 0.00035; TOPMed 0.00025; ESP Exome Variant Server 0.00038.
gnomAD v4.1: 376 of 1,613,410 alleles (0.023%); highest among the groups gnomAD compares: Middle Eastern, 0.23%; 1 homozygote.

Submissions (8):

Ambry Genetics
Classification: Likely benign for Inborn genetic diseases. Last evaluated: 2026-03-23. Review status: criteria provided, single submitter. Criteria: Ambry Variant Classification Scheme 2023. Collection method: clinical testing. Allele origin: germline.

Mayo Clinic Laboratories, Mayo Clinic
Classification: Likely benign. Last evaluated: 2025-09-14. Review status: criteria provided, single submitter. Criteria: ACMG Guidelines, 2015. Collection method: clinical testing. Allele origin: germline. Observed: 3 variant alleles.
Comment: BS1, BP4_strong

Blueprint Genetics
Classification: Uncertain significance. Last evaluated: 2024-11-20. Review status: criteria provided, single submitter. Criteria: ACMG Guidelines, 2015. Collection method: clinical testing. Allele origin: germline.

Fulgent Genetics
Classification: Likely benign for Upshaw-Schulman syndrome. Last evaluated: 2024-03-11. Review status: criteria provided, single submitter. Criteria: ACMG Guidelines, 2015. Collection method: clinical testing. Allele origin: germline.

Labcorp Genetics (formerly Invitae), Labcorp
Classification: Uncertain significance. Last evaluated: 2022-10-05. Review status: criteria provided, single submitter. Criteria: Invitae Variant Classification Sherloc (09022015). Collection method: clinical testing. Allele origin: germline.
Comment: This sequence change replaces arginine, which is basic and polar, with histidine, which is basic and polar, at codon 386 of the ADAMTS13 protein (p.Arg386His). This variant is present in population databases (rs151048660, gnomAD 0.1%). This variant has not been reported in the literature in individuals affected with ADAMTS13-related conditions. ClinVar contains an entry for this variant (Variation ID: 914642). Advanced modeling of protein sequence and biophysical properties (such as structural, functional, and spatial information, amino acid conservation, physicochemical variation, residue mobility, and thermodynamic stability) performed at Invitae indicates that this missense variant is not expected to disrupt ADAMTS13 protein function. In summary, the available evidence is currently insufficient to determine the role of this variant in disease. Therefore, it has been classified as a Variant of Uncertain Significance.

GeneDx
Classification: Uncertain significance. Last evaluated: 2022-04-07. Review status: criteria provided, single submitter. Criteria: GeneDx Variant Classification Process June 2021. Collection method: clinical testing. Allele origin: germline. Affected: yes.
Comment: In silico analysis supports that this missense variant does not alter protein structure/function; Has not been previously published as pathogenic or benign to our knowledge

Illumina Laboratory Services, Illumina
Classification: Uncertain significance for Upshaw-Schulman syndrome. Last evaluated: 2017-04-27. Review status: criteria provided, single submitter. Criteria: ICSL Variant Classification Criteria 13 December 2019. Collection method: clinical testing. Allele origin: germline.

Breakthrough Genomics
Classification: Uncertain significance. Review status: criteria provided, single submitter. Criteria: ACMG Guidelines, 2015. Collection method: not provided. Allele origin: germline. Inheritance: Autosomal recessive inheritance. Affected: yes.

Literature cited by the submitters: PubMed 27412500 (cited by Mayo Clinic Laboratories, Mayo Clinic); PubMed 35746657 (cited by Mayo Clinic Laboratories, Mayo Clinic).

NM_139027.6(ADAMTS13):c.1157G>A (p.Arg386His)

Gene: ADAMTS13 (ADAM metallopeptidase with thrombospondin type 1 motif 13; plus strand). Cytogenetic location: 9q34.2.
Variant type: single nucleotide variant.
Coding change: c.1157G>A on transcript NM_139027.6 (MANE Select); coding-DNA position 1157, G replaced by A.
Protein change: p.Arg386His; replaces arginine 386 with histidine.
Molecular consequence: missense variant.
Genome position (GRCh38, 1-based): chr9:133,433,442, G>A. VCF-style: chr9-133433442-G-A. GRCh37 (hg19) VCF-style: chr9-136298562-G-A.
Other names: p.Arg386His; c.1157G>A, p.Arg386His (NM_139025.5); c.1064G>A, p.Arg355His (NM_139026.6); short protein forms R355H, R386H.
Identifiers: ClinVar variation 914642 (VCV000914642.15), dbSNP rs151048660, ClinGen allele CA200926915.